The following is an entry in ClinVar:

NM_022042.4(SLC26A1):c.785G>A (p.Cys262Tyr)

Genes: IDUA (alpha-L-iduronidase; plus strand), SLC26A1 (solute carrier family 26 member 1; minus strand). Cytogenetic location: 4p16.3.
Variant type: single nucleotide variant.
Coding change: c.785G>A on transcript NM_022042.4 (MANE Select); coding-DNA position 785, G replaced by A.
Protein change: p.Cys262Tyr; replaces cysteine 262 with tyrosine.
Molecular consequence: missense variant. On other transcripts: intron variant (2).
Genome position (GRCh38, 1-based): chr4:990,154, C>T on the plus strand (G>A on the coding strand, the complement: SLC26A1 is on the minus strand). VCF-style: chr4-990154-C-T. GRCh37 (hg19) VCF-style: chr4-983942-C-T.
Other names: c.785G>A, p.Cys262Tyr (NM_213613.4); c.576+974G>A (NM_134425.4); c.299+2205C>T (NM_000203.5); short protein forms C262Y.
Identifiers: ClinVar variation 2977586 (VCV002977586.4), dbSNP rs756021811, ClinGen allele CA2801544.
Genomic context (GRCh38, chr4:990,154, plus strand): 5'-TCTGAGAGCTCCTTCGCGGCTAGCAGCACCGCCAGGCACACCGTGCTGGTGACCACGTCG[C>T]ACACGTTGGCCTGCCCGGCGCCGCGCAGCAGGCTCAGCCATGTGAGGACCACCATGCCGG-3'
Protein context (NP_071325.2, residues 252-272): LLRGAGQANV[Cys262Tyr]DVVTSTVCLA

ClinVar aggregate classification (germline): Uncertain significance. Review status: criteria provided, multiple submitters, no conflicts (2 of 4 stars). 2 submissions from 2 submitters: Uncertain significance (2). Last evaluated 2024-05-07.

Allele frequency attached by ClinVar (database versions not stated): gnomAD exomes 0.00001; TOPMed 0.00002.
gnomAD v4.1: 6 of 1,564,454 alleles (0.00038%); highest among the groups gnomAD compares: Admixed American, 0.0095%; no homozygotes.

Submissions (2):

Blueprint Genetics
Classification: Uncertain significance. Last evaluated: 2024-05-07. Review status: criteria provided, single submitter. Criteria: ACMG Guidelines, 2015. Collection method: clinical testing. Allele origin: germline.

Labcorp Genetics (formerly Invitae), Labcorp
Classification: Uncertain significance. Last evaluated: 2023-09-22. Review status: criteria provided, single submitter. Criteria: Invitae Variant Classification Sherloc (09022015). Collection method: clinical testing. Allele origin: germline.
Comment: This sequence change replaces cysteine, which is neutral and slightly polar, with tyrosine, which is neutral and polar, at codon 262 of the SLC26A1 protein (p.Cys262Tyr). This variant is present in population databases (rs756021811, gnomAD 0.02%). This variant has not been reported in the literature in individuals affected with SLC26A1-related conditions. Advanced modeling of protein sequence and biophysical properties (such as structural, functional, and spatial information, amino acid conservation, physicochemical variation, residue mobility, and thermodynamic stability) performed at Invitae indicates that this missense variant is not expected to disrupt SLC26A1 protein function. In summary, the available evidence is currently insufficient to determine the role of this variant in disease. Therefore, it has been classified as a Variant of Uncertain Significance.